The following is an entry in ClinVar:

ClinVar aggregate classification (germline): Uncertain significance. Review status: criteria provided, multiple submitters, no conflicts (2 of 4 stars). 4 submissions from 4 submitters: Uncertain significance (3). 1 of the submissions does not count toward it. Last evaluated 2025-10-15.

Conditions:
Hereditary cancer-predisposing syndrome. Also called: Tumor predisposition; Neoplastic Syndromes, Hereditary; Hereditary Cancer Syndrome; Hereditary neoplastic syndrome. Identifiers: Orphanet 140162, MedGen C0027672, MeSH D009386, MONDO:0015356.
Ataxia-telangiectasia syndrome (AT). Also called: ATAXIA-TELANGIECTASIA, COMPLEMENTATION GROUP A; ATAXIA-TELANGIECTASIA, FRESNO VARIANT; Ataxia-telangiectasia; Ataxia-telangiectasia, complementation group D; AT, COMPLEMENTATION GROUP C; Ataxia-telangiectasia, complementation group E. Identifiers: Orphanet 100, MedGen C0004135, MONDO:0008840, OMIM 208900.

Submissions (4):

Ambry Genetics
Classification: Uncertain significance for Hereditary cancer-predisposing syndrome. Last evaluated: 2025-10-15. Review status: criteria provided, single submitter. Criteria: Ambry Variant Classification Scheme 2023. Collection method: clinical testing. Allele origin: germline.
Comment: The p.P2759L variant (also known as c.8276C>T), located in coding exon 56 of the ATM gene, results from a C to T substitution at nucleotide position 8276. The proline at codon 2759 is replaced by leucine, an amino acid with similar properties. This amino acid position is conserved. In addition, this alteration is predicted to be deleterious by in silico analysis. Based on the available evidence, the clinical significance of this variant remains unclear.

Labcorp Genetics (formerly Invitae), Labcorp
Classification: Uncertain significance for Ataxia-telangiectasia syndrome. Last evaluated: 2024-05-19. Review status: criteria provided, single submitter. Criteria: Invitae Variant Classification Sherloc (09022015). Collection method: clinical testing. Allele origin: germline.
Comment: This sequence change replaces proline, which is neutral and non-polar, with leucine, which is neutral and non-polar, at codon 2759 of the ATM protein (p.Pro2759Leu). This variant is not present in population databases (gnomAD no frequency). This variant has not been reported in the literature in individuals affected with ATM-related conditions. ClinVar contains an entry for this variant (Variation ID: 860927). An algorithm developed to predict the effect of missense changes on protein structure and function (PolyPhen-2) suggests that this variant is likely to be disruptive. In summary, the available evidence is currently insufficient to determine the role of this variant in disease. Therefore, it has been classified as a Variant of Uncertain Significance.

Color Diagnostics, LLC DBA Color Health
Classification: Uncertain significance for Hereditary cancer-predisposing syndrome. Last evaluated: 2020-06-08. Review status: criteria provided, single submitter. Criteria: ACMG Guidelines, 2015. Collection method: clinical testing. Allele origin: germline.
Comment: This missense variant replaces proline with leucine at codon 2759 of the ATM protein. Computational prediction suggests that this variant may have deleterious impact on protein structure and function (internally defined REVEL score threshold >= 0.7, PMID: 27666373). To our knowledge, functional studies have not been reported for this variant. This variant has not been reported in individuals affected with hereditary cancer in the literature. This variant has not been identified in the general population by the Genome Aggregation Database (gnomAD). The available evidence is insufficient to determine the role of this variant in disease conclusively. Therefore, this variant is classified as a Variant of Uncertain Significance.

Natera, Inc.
Classification: Uncertain significance for Ataxia-telangiectasia. Last evaluated: 2021-09-10. Review status: no assertion criteria provided. Collection method: clinical testing. Allele origin: germline. Not counted in ClinVar's aggregate classification.

NM_000051.4(ATM):c.8276C>T (p.Pro2759Leu)

Genes: ATM (ATM serine/threonine kinase; plus strand), C11orf65 (chromosome 11 open reading frame 65; minus strand). Cytogenetic location: 11q22.3.
Variant type: single nucleotide variant.
Coding change: c.8276C>T on transcript NM_000051.4 (MANE Select); coding-DNA position 8276, C replaced by T.
Protein change: p.Pro2759Leu; replaces proline 2759 with leucine.
Molecular consequence: missense variant. On other transcripts: intron variant (2).
Genome position (GRCh38, 1-based): chr11:108,343,229, C>T. VCF-style: chr11-108343229-C-T. GRCh37 (hg19) VCF-style: chr11-108213956-C-T.
Other names: c.8276C>T, p.Pro2759Leu (NM_001351834.2); c.641-34158G>A (NM_001330368.2); c.695-7937G>A (NM_001351110.2); short protein forms P2759L.
Identifiers: ClinVar variation 860927 (VCV000860927.23), dbSNP rs2087807752, ClinGen allele CA382516298.